The following is an entry in ClinVar:

ClinVar aggregate classification (germline): Benign/Likely benign. Review status: criteria provided, multiple submitters, no conflicts (2 of 4 stars). 4 submissions from 4 submitters: Benign (1); Likely benign (3). Last evaluated 2025-12-03.

Conditions:
Multiple acyl-CoA dehydrogenase deficiency (MADD). Also called: Glutaric aciduria, type 2; Glutaric Acidemia type 2; Glutaric acidemia type II; GA 2; ETHYLMALONIC-ADIPICACIDURIA; GA II. Identifiers: Orphanet 26791, MedGen C0268596, MONDO:0009282, OMIM 231680.

Allele frequency attached by ClinVar (database versions not stated): gnomAD exomes 0.00009 and 0.00016; ExAC 0.00019; ESP Exome Variant Server 0.00046; 1000 Genomes Project 0.00060; 1000 Genomes Project 30x 0.00062; gnomAD 0.00075 and 0.00084; TOPMed 0.00094.
gnomAD v4.1: 252 of 1,613,640 alleles (0.016%); highest among the groups gnomAD compares: African/African-American, 0.25%; no homozygotes.

Submissions (4):

Labcorp Genetics (formerly Invitae), Labcorp
Classification: Benign for Multiple acyl-CoA dehydrogenase deficiency. Last evaluated: 2025-12-03. Review status: criteria provided, single submitter. Criteria: Invitae Variant Classification Sherloc (09022015). Collection method: clinical testing. Allele origin: germline.

CeGaT Center for Human Genetics Tuebingen
Classification: Likely benign. Last evaluated: 2025-09-01. Review status: criteria provided, single submitter. Criteria: CeGaT Center For Human Genetics Tuebingen Variant Classification Criteria Version 2. Collection method: clinical testing. Allele origin: germline. Affected: yes. Observed: 1 variant allele.
Comment: ETFDH: BP4, BP7

Blueprint Genetics
Classification: Likely benign. Last evaluated: 2024-08-01. Review status: criteria provided, single submitter. Criteria: ACMG Guidelines, 2015. Collection method: clinical testing. Allele origin: germline.

GeneDx
Classification: Likely benign. Last evaluated: 2020-12-16. Review status: criteria provided, single submitter. Criteria: GeneDx Variant Classification Process June 2021. Collection method: clinical testing. Allele origin: germline. Affected: yes.

NM_004453.4(ETFDH):c.1602G>A (p.Pro534=)

Gene: ETFDH (electron transfer flavoprotein dehydrogenase; plus strand). Cytogenetic location: 4q32.1.
Variant type: single nucleotide variant.
Coding change: c.1602G>A on transcript NM_004453.4 (MANE Select); coding-DNA position 1602, G replaced by A.
Protein change: p.Pro534=; no amino-acid change (proline 534 retained).
Molecular consequence: synonymous variant.
Genome position (GRCh38, 1-based): chr4:158,706,762, G>A. VCF-style: chr4-158706762-G-A. GRCh37 (hg19) VCF-style: chr4-159627914-G-A.
Other names: c.1461G>A, p.Pro487= (NM_001281737.2); c.1419G>A, p.Pro473= (NM_001281738.1).
Identifiers: ClinVar variation 377835 (VCV000377835.23), dbSNP rs142475999, ClinGen allele CA3122670.